The following is an entry in ClinVar:

ClinVar aggregate classification (germline): Uncertain significance (1 of 4 stars; one submission).

gnomAD v4.1: 1 of 1,602,946 alleles (0.000062%); highest among the groups gnomAD compares: East Asian, 0.0023%; no homozygotes.

Submission:

Labcorp Genetics (formerly Invitae), Labcorp
Classification: Uncertain significance. Last evaluated: 2025-05-11. Review status: criteria provided, single submitter. Criteria: Invitae Variant Classification Sherloc (09022015). Collection method: clinical testing. Allele origin: germline.
Comment: This sequence change replaces tyrosine, which is neutral and polar, with histidine, which is basic and polar, at codon 203 of the KMT2E protein (p.Tyr203His). This variant is present in population databases (no rsID available, gnomAD 0.0009%). This variant has not been reported in the literature in individuals affected with KMT2E-related conditions. Invitae Evidence Modeling of protein sequence and biophysical properties (such as structural, functional, and spatial information, amino acid conservation, physicochemical variation, residue mobility, and thermodynamic stability) indicates that this missense variant is expected to disrupt KMT2E protein function with a positive predictive value of 80%. In summary, the available evidence is currently insufficient to determine the role of this variant in disease. Therefore, it has been classified as a Variant of Uncertain Significance.

NM_182931.3(KMT2E):c.607T>C (p.Tyr203His)

Gene: KMT2E (lysine methyltransferase 2E (inactive); plus strand). Cytogenetic location: 7q22.3.
Variant type: single nucleotide variant.
Coding change: c.607T>C on transcript NM_182931.3 (MANE Select); coding-DNA position 607, T replaced by C.
Protein change: p.Tyr203His; replaces tyrosine 203 with histidine.
Molecular consequence: missense variant.
Genome position (GRCh38, 1-based): chr7:105,074,693, T>C. VCF-style: chr7-105074693-T-C. GRCh37 (hg19) VCF-style: chr7-104715140-T-C.
Other names: c.607T>C, p.Tyr203His (NM_001410908.1, NM_018682.4); short protein forms Y203H.
Identifiers: ClinVar variation 4810034 (VCV004810034.1).